The following is an entry in ClinVar:

NM_000218.3(KCNQ1):c.153C>G (p.Tyr51Ter)

Gene: KCNQ1 (potassium voltage-gated channel subfamily Q member 1; plus strand). Cytogenetic location: 11p15.5.
Variant type: single nucleotide variant.
Coding change: c.153C>G on transcript NM_000218.3 (MANE Select); coding-DNA position 153, C replaced by G.
Protein change: p.Tyr51Ter; replaces tyrosine 51 with a stop codon.
Molecular consequence: nonsense.
Genome position (GRCh38, 1-based): chr11:2,445,251, C>G. VCF-style: chr11-2445251-C-G. GRCh37 (hg19) VCF-style: chr11-2466481-C-G.
Other names: p.Y51*:TAC>TAG; short protein forms Y51*.
Identifiers: ClinVar variation 52989 (VCV000052989.19), dbSNP rs397508096, ClinGen allele CA005867.
Genomic context (GRCh38, chr11:2,445,251, plus strand): 5'-CAAGAAGTGCCCCTTCTCGCTGGAGCTGGCGGAGGGCGGCCCGGCGGGCGGCGCGCTCTA[C>G]GCGCCCATCGCGCCCGGCGCCCCAGGTCCCGCGCCCCCTGCGTCCCCGGCCGCGCCCGCC-3'

ClinVar aggregate classification (germline): Pathogenic/Likely pathogenic. Review status: criteria provided, multiple submitters, no conflicts (2 of 4 stars). 5 submissions from 5 submitters: Pathogenic (4); Likely pathogenic (1). Last evaluated 2025-11-11.

Conditions:
Cardiac arrhythmia. Also called: Arrhythmia; Cardiac rhythm disease. Identifiers: MedGen C0003811, MONDO:0007263, HP:0011675.
Cardiovascular phenotype. Identifiers: MedGen CN230736.
Familial long QT syndrome (RWS). Also called: Congenital long QT syndrome; Romano-Ward syndrome; VENTRICULAR FIBRILLATION WITH PROLONGED QT INTERVAL. Identifiers: Orphanet 768, MedGen C1141890, MONDO:0019171.
Long QT syndrome (LQTS). Identifiers: MedGen C0023976, MeSH D008133, MONDO:0002442. Disease mechanism: loss of function. Inheritance: Various modes of inheritance.

Allele frequency attached by ClinVar (database versions not stated): TOPMed 0.00001.
gnomAD v4.1: 5 of 1,192,578 alleles (0.00042%); highest among the groups gnomAD compares: Non-Finnish European, 0.00052%; no homozygotes.

Submissions (5):

Labcorp Genetics (formerly Invitae), Labcorp
Classification: Pathogenic for Long QT syndrome. Last evaluated: 2025-11-11. Review status: criteria provided, single submitter. Criteria: Invitae Variant Classification Sherloc (09022015). Collection method: clinical testing. Allele origin: germline.
Comment: This sequence change creates a premature translational stop signal (p.Tyr51*) in the KCNQ1 gene. It is expected to result in an absent or disrupted protein product. Loss-of-function variants in KCNQ1 are known to be pathogenic (PMID: 9323054, 19862833). This variant is not present in population databases (gnomAD no frequency). This premature translational stop signal has been observed in individual(s) with Long QT syndrome (PMID: 15840476, 19841300). ClinVar contains an entry for this variant (Variation ID: 52989). For these reasons, this variant has been classified as Pathogenic.

GeneDx
Classification: Pathogenic. Last evaluated: 2025-07-08. Review status: criteria provided, single submitter. Criteria: GeneDx Variant Classification Process June 2021. Collection method: clinical testing. Allele origin: germline. Affected: yes.
Comment: Identified in patients with LQTS referred for genetic testing at GeneDx and in published literature (PMID: 15840476, 19841300, 19716085); Nonsense variant predicted to result in protein truncation or nonsense mediated decay in a gene for which loss of function is a known mechanism of disease; Not observed at significant frequency in large population cohorts (gnomAD); This variant is associated with the following publications: (PMID: 19841300, 19716085, 15840476, 34319147)

Laboratory for Molecular Medicine, Mass General Brigham Personalized Medicine
Classification: Likely pathogenic for Familial long QT syndrome. Last evaluated: 2023-11-14. Review status: criteria provided, single submitter. Criteria: ACMG Guidelines, 2015. Collection method: clinical testing. Allele origin: germline.
Comment: The p.Tyr51X variant in KCNQ1 has been reported in at least 1 individual referred for genetic testing for long QT syndrome (LQTS; Tester 2005 PMID: 15840476, Kapplinger 2009 PMID: 19716085, Kapa 2009 PMID: 19841300) and has also been reported by other clinical laboratories in ClinVar (Variation ID 52989). It was absent from large population studies. This nonsense variant leads to a premature termination codon at position 51, which is predicted to lead to a truncated or absent protein. Heterozygous loss of function of the KCNQ1 gene is an established disease mechanism in autosomal dominant long QT syndrome. In summary, although additional studies are required to fully establish its clinical significance, this variant meets criteria to be classified as likely pathogenic for autosomal dominant long QT syndrome. ACMG/AMP Criteria applied: PM2_Supporting, PVS1.

Women's Health and Genetics/Laboratory Corporation of America, LabCorp
Classification: Pathogenic for Cardiac arrhythmia. Last evaluated: 2021-05-17. Review status: criteria provided, single submitter. Criteria: LabCorp Variant Classification Summary - May 2015. Collection method: clinical testing. Allele origin: germline.
Comment: Variant summary: KCNQ1 c.153C>G (p.Tyr51X) results in a premature termination codon, predicted to cause a truncation of the encoded protein or absence of the protein due to nonsense mediated decay, which are commonly known mechanisms for disease. Truncations downstream of this position have been classified as pathogenic by our laboratory. The variant was absent in 7752 control chromosomes. c.153C>G has been reported in the literature in at least one individual affected with Long QT Syndrome (LQTS; e.g. Tester_2005, Kappliner_2009, Kapa_2009). To our knowledge, no experimental evidence demonstrating an impact on protein function has been reported. Two ClinVar submitters (evaluation after 2014) cite the variant as pathogenic. Based on the evidence outlined above, the variant was classified as pathogenic.

Ambry Genetics
Classification: Pathogenic for Cardiovascular phenotype. Last evaluated: 2017-10-12. Review status: criteria provided, single submitter. Criteria: Ambry Variant Classification Scheme 2023. Collection method: clinical testing. Allele origin: germline.
Comment: The p.Y51* pathogenic mutation (also known as c.153C>G), located in coding exon 1 of the KCNQ1 gene, results from a C to G substitution at nucleotide position 153. This changes the amino acid from a tyrosine to a stop codon within coding exon 1. This alteration has been detected in patients referred for long QT syndrome genetic testing; however, clinical details were limited (Kapplinger JD et al. Heart Rhythm, 2009 Sep;6:1297-303; Tester DJ et al. Heart Rhythm, 2005 May;2:507-17). In addition to the clinical data presented in the literature, this alteration is expected to result in loss of function by premature protein truncation or nonsense-mediated mRNA decay. As such, this alteration is interpreted as a disease-causing mutation.

Literature cited by the submitters: PubMed 9323054 (cited by Labcorp Genetics (formerly Invitae), Labcorp); PubMed 19862833 (cited by Labcorp Genetics (formerly Invitae), Labcorp); PubMed 15840476 (cited by 4 submitters); PubMed 19841300 (cited by 4 submitters); PubMed 19716085 (cited by 3 submitters); PubMed 31565860 (cited by Women's Health and Genetics/Laboratory Corporation of America, LabCorp); PubMed 28595573 (cited by Ambry Genetics).